The following is an entry in ClinVar:

ClinVar aggregate classification (germline): Conflicting classifications of pathogenicity. Review status: criteria provided, conflicting classifications (1 of 4 stars). 2 submissions from 2 submitters: Uncertain significance (1); Likely benign (1). Last evaluated 2023-03-23.

Conditions:
Hereditary cancer-predisposing syndrome. Also called: Neoplastic Syndromes, Hereditary; Tumor predisposition; Hereditary Cancer Syndrome; Hereditary neoplastic syndrome. Identifiers: Orphanet 140162, MedGen C0027672, MeSH D009386, MONDO:0015356.
Hereditary breast ovarian cancer syndrome. Also called: Hereditary breast and ovarian cancer; Hereditary breast and ovarian cancer syndrome (HBOC); BRCA1- and BRCA2-Associated Hereditary Breast and Ovarian Cancer; Hereditary breast and ovarian cancer syndrome; Hereditary breast and/or ovarian cancer syndrome; Breast and ovarian cancer. Identifiers: Orphanet 145, MedGen C0677776, MeSH D061325, MONDO:0003582. Disease mechanism: loss of function.

Submissions (2):

University of Washington Department of Laboratory Medicine, University of Washington
Classification: Likely benign for Hereditary cancer-predisposing syndrome. Last evaluated: 2023-03-23. Review status: criteria provided, single submitter. Criteria: Dines et al. (Genet Med. 2020). Collection method: curation. Allele origin: germline.
Comment: Missense variant in a coldspot region where missense variants are very unlikely to be pathogenic (PMID:31911673).

BRCA2 exon 11 coldspot. Reclassification based on statistical prior probability.

Labcorp Genetics (formerly Invitae), Labcorp
Classification: Uncertain significance for Hereditary breast ovarian cancer syndrome. Last evaluated: 2022-11-22. Review status: criteria provided, single submitter. Criteria: Invitae Variant Classification Sherloc (09022015). Collection method: clinical testing. Allele origin: germline.
Comment: Advanced modeling of protein sequence and biophysical properties (such as structural, functional, and spatial information, amino acid conservation, physicochemical variation, residue mobility, and thermodynamic stability) performed at Invitae indicates that this missense variant is not expected to disrupt BRCA2 protein function. In summary, the available evidence is currently insufficient to determine the role of this variant in disease. Therefore, it has been classified as a Variant of Uncertain Significance. This variant has not been reported in the literature in individuals affected with BRCA2-related conditions. This sequence change replaces leucine, which is neutral and non-polar, with phenylalanine, which is neutral and non-polar, at codon 1693 of the BRCA2 protein (p.Leu1693Phe). This variant is not present in population databases (gnomAD no frequency). ClinVar contains an entry for this variant (Variation ID: 639267).

NM_000059.4(BRCA2):c.5077C>T (p.Leu1693Phe)

Gene: BRCA2 (BRCA2 DNA repair associated; plus strand). Cytogenetic location: 13q13.1.
Variant type: single nucleotide variant.
Coding change: c.5077C>T on transcript NM_000059.4 (MANE Select); coding-DNA position 5077, C replaced by T.
Protein change: p.Leu1693Phe; replaces leucine 1693 with phenylalanine.
Molecular consequence: missense variant.
Genome position (GRCh38, 1-based): chr13:32,339,432, C>T. VCF-style: chr13-32339432-C-T. GRCh37 (hg19) VCF-style: chr13-32913569-C-T.
Other names: short protein forms L1693F.
Identifiers: ClinVar variation 639267 (VCV000639267.10), dbSNP rs1593904331, ClinGen allele CA387784077.